The following is an entry in ClinVar:

NM_000094.4(COL7A1):c.7814G>T (p.Gly2605Val)

Gene: COL7A1 (collagen type VII alpha 1 chain; minus strand). Cytogenetic location: 3p21.31.
Variant type: single nucleotide variant.
Coding change: c.7814G>T on transcript NM_000094.4 (MANE Select); coding-DNA position 7814, G replaced by T.
Protein change: p.Gly2605Val; replaces glycine 2605 with valine.
Molecular consequence: missense variant.
Genome position (GRCh38, 1-based): chr3:48,568,151, C>A on the plus strand (G>T on the coding strand, the complement: COL7A1 is on the minus strand). VCF-style: chr3-48568151-C-A. GRCh37 (hg19) VCF-style: chr3-48605584-C-A.
Other names: short protein forms G2605V.
Identifiers: ClinVar variation 5004279 (VCV005004279.1).

ClinVar aggregate classification (germline): Likely pathogenic (1 of 4 stars; one submission).

Conditions:
Recessive dystrophic epidermolysis bullosa (RDEB). Also called: Epidermolysis Bullosa Distrophica Autosomal Recessive (RDEB); Recessive DEB (RDEB); DYSTROPHIC EPIDERMOLYSIS BULLOSA, AUTOSOMAL RECESSIVE; EPIDERMOLYSIS BULLOSA DYSTROPHICA, HALLOPEAU-SIEMENS TYPE; severe generalized recessive dystrophic epidermolysis bullosa; epidermolysis bullosa dystrophica, autosomal recessive. Identifiers: Orphanet 79408, Orphanet 79409, MedGen C0079474, MONDO:0009179, OMIM 226600.

Submission:

Myriad Genetics, Inc.
Classification: Likely pathogenic for Recessive dystrophic epidermolysis bullosa. Last evaluated: 2025-11-11. Review status: criteria provided, single submitter. Criteria: Myriad Autosomal Dominant, Autosomal Recessive and X-Linked Classification Criteria (2023). Collection method: clinical testing. Allele origin: unknown.
Comment: NM_000094.3(COL7A1):c.7814G>T(G2605V) is a missense variant classified as likely pathogenic in the context of dystrophic epidermolysis bullosa. G2605V has been observed in a case with relevant disease (PMID: 31001817). Relevant functional assessments of this variant are not available in the literature. Internal structural analysis of the variant is supportive of pathogenicity. G2605V has not been observed in referenced population frequency databases. In summary, NM_000094.3(COL7A1):c.7814G>T(G2605V) is a missense variant that has internal structural support for pathogenicity and has been observed more frequently in cases with the relevant disease than in healthy populations. Please note: this variant was assessed in the context of healthy population screening.

Literature cited by the submitters: PubMed 31001817.